The following is an entry in ClinVar:

NM_000444.6(PHEX):c.1332G>A (p.Trp444Ter)

Gene: PHEX (phosphate regulating endopeptidase X-linked; plus strand). Cytogenetic location: Xp22.11.
Variant type: single nucleotide variant.
Coding change: c.1332G>A on transcript NM_000444.6 (MANE Select); coding-DNA position 1332, G replaced by A.
Protein change: p.Trp444Ter; replaces tryptophan 444 with a stop codon.
Molecular consequence: nonsense.
Genome position (GRCh38, 1-based): chrX:22,133,552, G>A. VCF-style: chrX-22133552-G-A. GRCh37 (hg19) VCF-style: chrX-22151669-G-A.
Other names: c.1332G>A, p.Trp444Ter (NM_001282754.2); short protein forms W444*.
Identifiers: ClinVar variation 1075412 (VCV001075412.10), dbSNP rs2147086402, ClinGen allele CA412574591.
Genomic context (GRCh38, chrX:22,133,552, plus strand): 5'-TGACGTTCCCTCTTTGGGTATTTTCTTGTAGATGGAGGAATTGGTTGAGGGCGTTCGCTG[G>A]GCCTTTATTGACATGCTAGAGAAAGAAAATGAGTGGATGGATGCAGGAACGAAAAGGAAA-3'

ClinVar aggregate classification (germline): Pathogenic. Review status: criteria provided, single submitter (1 of 4 stars). 2 submissions from 2 submitters: Pathogenic (1). 1 of the submissions does not count toward it. Last evaluated 2022-05-18.

Conditions:
Childhood hypophosphatasia. Identifiers: Orphanet 247667, Orphanet 436, MedGen C0220743, MONDO:1010168, OMIM 241510, MONDO:0009428.

Submissions (2):

Labcorp Genetics (formerly Invitae), Labcorp
Classification: Pathogenic. Last evaluated: 2022-05-18. Review status: criteria provided, single submitter. Criteria: Invitae Variant Classification Sherloc (09022015). Collection method: clinical testing. Allele origin: germline.
Comment: For these reasons, this variant has been classified as Pathogenic. ClinVar contains an entry for this variant (Variation ID: 1075412). This premature translational stop signal has been observed in individuals with hypophosphatemic rickets (PMID: 24836714, 30682568). This variant is not present in population databases (gnomAD no frequency). This sequence change creates a premature translational stop signal (p.Trp444*) in the PHEX gene. It is expected to result in an absent or disrupted protein product. Loss-of-function variants in PHEX are known to be pathogenic (PMID: 9097956, 9106524, 19219621).

Department of Pediatric Endocrinology, Shriners Hospitals for Children - Mexico City
No classification provided. Condition: Childhood hypophosphatasia. Review status: no classification provided. Collection method: phenotyping only. Allele origin: germline. Inheritance: X-linked dominant inheritance. Affected: yes. Observed: 4 variant alleles, 1 hemizygote. Clinical features observed: Hypophosphatemic rickets. Not counted in ClinVar's aggregate classification.

Literature cited by the submitters: PubMed 24836714 (cited by Labcorp Genetics (formerly Invitae), Labcorp); PubMed 30682568 (cited by Labcorp Genetics (formerly Invitae), Labcorp); PubMed 9097956 (cited by Labcorp Genetics (formerly Invitae), Labcorp); PubMed 9106524 (cited by Labcorp Genetics (formerly Invitae), Labcorp); PubMed 19219621 (cited by Labcorp Genetics (formerly Invitae), Labcorp).